The following is an entry in ClinVar:

NM_000474.4(TWIST1):c.152G>T (p.Gly51Val)

Gene: TWIST1 (twist family bHLH transcription factor 1; minus strand). Cytogenetic location: 7p21.1.
Variant type: single nucleotide variant.
Coding change: c.152G>T on transcript NM_000474.4 (MANE Select); coding-DNA position 152, G replaced by T.
Protein change: p.Gly51Val; replaces glycine 51 with valine.
Molecular consequence: missense variant. On other transcripts: non-coding transcript variant (1).
Genome position (GRCh38, 1-based): chr7:19,117,170, C>A on the plus strand (G>T on the coding strand, the complement: TWIST1 is on the minus strand). VCF-style: chr7-19117170-C-A. GRCh37 (hg19) VCF-style: chr7-19156793-C-A.
Other names: short protein forms G51V.
Identifiers: ClinVar variation 1691347 (VCV001691347.9), dbSNP rs1305059157, ClinGen allele CA367016035.
Genomic context (GRCh38, chr7:19,117,170, plus strand): 5'-TGGGCCGGGCTGCCCGGCTCGTCGCCGCCTCCGACGCCCCCACCCGCGGCTCCGCCGGGC[C>A]CCGCGCCGCCGCCCGCGCTGCGCCTGCTGCTGCGCCGCTTGCGTCCCCCGCGCTTGCCGC-3'
Protein context (NP_000465.1, residues 41-61): SSRRSAGGGA[Gly51Val]PGGAAGGGVG

ClinVar aggregate classification (germline): Uncertain significance. Review status: criteria provided, multiple submitters, no conflicts (2 of 4 stars). 4 submissions from 4 submitters: Uncertain significance (4). Last evaluated 2026-04-15.

Conditions:
TWIST1-related craniosynostosis (CRS1). Also called: CRANIOSYNOSTOSIS 1. Identifiers: Orphanet 63440, MedGen C4551902, MONDO:0007399, OMIM 123100. Inheritance: Heterogenous inheritance pattern.
Saethre-Chotzen syndrome (SCS). Also called: ACROCEPHALY, SKULL ASYMMETRY, AND MILD SYNDACTYLY; ACS III; CHOTZEN SYNDROME. Identifiers: Orphanet 794, MedGen C0175699, MONDO:0007042, OMIM 101400.
Inborn genetic diseases. Identifiers: MedGen C0950123, MeSH D030342.

Allele frequency attached by ClinVar (database versions not stated): gnomAD 0.00006; TOPMed 0.00006; 1000 Genomes Project 30x 0.00031.
gnomAD v4.1: 56 of 1,103,642 alleles (0.0051%); highest among the groups gnomAD compares: Non-Finnish European, 0.006%; no homozygotes.

Submissions (4):

GeneDx
Classification: Uncertain significance. Last evaluated: 2026-04-15. Review status: criteria provided, single submitter. Criteria: GeneDx Variant Classification Process June 2021. Collection method: clinical testing. Allele origin: germline.
Comment: Identified in a patient with sagittal craniosynostosis in published literature (PMID: 35591945); Not observed at significant frequency in large population cohorts (gnomAD); In silico analysis suggests that this missense variant does not alter protein structure/function; This variant is associated with the following publications: (PMID: 35591945)

Labcorp Genetics (formerly Invitae), Labcorp
Classification: Uncertain significance for TWIST1-related craniosynostosis; Saethre-Chotzen syndrome. Last evaluated: 2025-06-17. Review status: criteria provided, single submitter. Criteria: Invitae Variant Classification Sherloc (09022015). Collection method: clinical testing. Allele origin: germline.
Comment: This sequence change replaces glycine, which is neutral and non-polar, with valine, which is neutral and non-polar, at codon 51 of the TWIST1 protein (p.Gly51Val). This variant is not present in population databases (gnomAD no frequency). This missense change has been observed in individual(s) with craniosynostosis (PMID: 35591945). ClinVar contains an entry for this variant (Variation ID: 1691347). Experimental studies and prediction algorithms are not available or were not evaluated, and the functional significance of this variant is currently unknown. In summary, the available evidence is currently insufficient to determine the role of this variant in disease. Therefore, it has been classified as a Variant of Uncertain Significance.

Ambry Genetics
Classification: Uncertain significance for Inborn genetic diseases. Last evaluated: 2022-12-27. Review status: criteria provided, single submitter. Criteria: Ambry Variant Classification Scheme 2023. Collection method: clinical testing. Allele origin: germline.

Seattle Children's Hospital Molecular Genetics Laboratory, Seattle Children's Hospital
Classification: Uncertain significance. Last evaluated: 2020-12-03. Review status: criteria provided, single submitter. Criteria: ACMG Guidelines, 2015. Collection method: clinical testing. Allele origin: germline. Affected: yes. Clinical features observed: Unicoronal synostosis (HP:0011315).
Comment: The c.152G>T (p.Gly51Val) variant in the TWIST1 gene has been observed as a heterozygous variant in 17 individuals from the Trans-Omics for Precision Medicine (TOPMed) database. Further phenotypic information from this diverse study cohort was not available. This variant has not been reported in the medical literature, ClinVar, nor Genome Aggregation databases. The c.152G>T variant is predicted to substitute the glycine at codon 51 with valine (p.Gly51Val). In silico tools have conflicting predictions about the possible impact of this change on protein function, varying from damaging to tolerated. A different missense change at the same amino acid position (p.Gly51Glu) has been interpreted as a VUS by another clinical laboratory.

Literature cited by the submitters: PubMed 35591945 (cited by Labcorp Genetics (formerly Invitae), Labcorp).